The following is an entry in ClinVar:

NM_001029896.2(WDR45):c.457del (p.Ser153fs)

Gene: WDR45 (WD repeat domain 45; minus strand). Cytogenetic location: Xp11.23.
Variant type: Deletion.
Coding change: c.457del on transcript NM_001029896.2 (MANE Select); coding-DNA position 457, one base deleted (A; older notation c.457delA).
Protein change: p.Ser153fs; shifts the reading frame from serine 153.
Molecular consequence: frameshift variant.
Genome position (GRCh38, 1-based): chrX:49,075,925, T deleted on the plus strand (A on the coding strand, the reverse complement: WDR45 is on the minus strand). VCF-style (leftmost placement, unchanged base first): chrX-49075924-CT-C. GRCh37 (hg19) VCF-style: chrX-48933583-CT-C.
Other names: c.460del, p.Ser154fs (NM_007075.4); short protein forms S154fs, S153fs.
Identifiers: ClinVar variation 848880 (VCV000848880.7), dbSNP rs2065034268, ClinGen allele CA916083949.

ClinVar aggregate classification (germline): Pathogenic (1 of 4 stars; one submission).

Conditions:
Neurodegeneration with brain iron accumulation 5 (NBIA5). Also called: Beta-propeller protein-associated neurodegeneration; STATIC ENCEPHALOPATHY OF CHILDHOOD WITH NEURODEGENERATION IN ADULTHOOD. Identifiers: Orphanet 329284, MedGen C3550973, MONDO:0010476, OMIM 300894.

Submission:

Labcorp Genetics (formerly Invitae), Labcorp
Classification: Pathogenic for Neurodegeneration with brain iron accumulation 5. Last evaluated: 2019-04-28. Review status: criteria provided, single submitter. Criteria: Invitae Variant Classification Sherloc (09022015). Collection method: clinical testing. Allele origin: germline.
Comment: For these reasons, this variant has been classified as Pathogenic. Loss-of-function variants in WDR45 are known to be pathogenic (PMID: 23176820, 24368176, 24621584, 25744623, 26790960, 27030146, 27652284, 28554332). This variant has not been reported in the literature in individuals with WDR45-related conditions. This variant is not present in population databases (ExAC no frequency). This sequence change creates a premature translational stop signal (p.Ser154Alafs*7) in the WDR45 gene. It is expected to result in an absent or disrupted protein product.

Literature cited by the submitters: PubMed 23176820; PubMed 24368176; PubMed 24621584; PubMed 25744623; PubMed 26790960; PubMed 27030146; PubMed 27652284; PubMed 28554332.